The following is an entry in ClinVar:

NM_013336.4(SEC61A1):c.1168-3C>T

Genes: RUVBL1 (RuvB like AAA ATPase 1; minus strand), SEC61A1 (SEC61 translocon subunit alpha 1; plus strand). Cytogenetic location: 3q21.3.
Variant type: single nucleotide variant.
Coding change: c.1168-3C>T on transcript NM_013336.4 (MANE Select); 3 bases into the intron before coding-DNA position 1168, C replaced by T.
Molecular consequence: intron variant.
Genome position (GRCh38, 1-based): chr3:128,067,980, C>T. VCF-style: chr3-128067980-C-T. GRCh37 (hg19) VCF-style: chr3-127786823-C-T.
Other names: c.1186-3C>T (NM_001400328.1); c.1009-3C>T (NM_001400329.1); c.940-2760G>A (NM_001319086.1).
Identifiers: ClinVar variation 1485535 (VCV001485535.6), dbSNP rs750988320, ClinGen allele CA2598596.
Genomic context (GRCh38, chr3:128,067,980, plus strand): 5'-CTTGGAATGCCTATTTCCCCTTCAGCCTCCAATTCCAACTTCTCCCCTGTGGGCACCCTG[C>T]AGGTTGCAAAGCAGCTGAAGGAGCAGCAGATGGTGATGAGAGGCCACCGAGAGACCTCCA-3'

ClinVar aggregate classification (germline): Uncertain significance (1 of 4 stars; one submission).

Allele frequency attached by ClinVar (database versions not stated): gnomAD exomes below 0.00001 and 0.00001; ExAC 0.00001.
gnomAD v4.1: 5 of 1,613,642 alleles (0.00031%); highest among the groups gnomAD compares: South Asian, 0.0044%; no homozygotes.

Submission:

Labcorp Genetics (formerly Invitae), Labcorp
Classification: Uncertain significance. Last evaluated: 2024-02-17. Review status: criteria provided, single submitter. Criteria: Invitae Variant Classification Sherloc (09022015). Collection method: clinical testing. Allele origin: germline.
Comment: This sequence change falls in intron 10 of the SEC61A1 gene. It does not directly change the encoded amino acid sequence of the SEC61A1 protein. It affects a nucleotide within the consensus splice site. The frequency data for this variant in the population databases is considered unreliable, as metrics indicate poor data quality at this position in the gnomAD database. This variant has not been reported in the literature in individuals affected with SEC61A1-related conditions. ClinVar contains an entry for this variant (Variation ID: 1485535). Variants that disrupt the consensus splice site are a relatively common cause of aberrant splicing (PMID: 17576681, 9536098). Algorithms developed to predict the effect of sequence changes on RNA splicing suggest that this variant is not likely to affect RNA splicing. In summary, the available evidence is currently insufficient to determine the role of this variant in disease. Therefore, it has been classified as a Variant of Uncertain Significance.

Literature cited by the submitters: PubMed 17576681; PubMed 9536098.